The following is an entry in ClinVar:

NM_020778.5(ALPK3):c.1789A>T (p.Arg597Ter)

Gene: ALPK3 (alpha kinase 3; plus strand). Cytogenetic location: 15q25.3.
Variant type: single nucleotide variant.
Coding change: c.1789A>T on transcript NM_020778.5 (MANE Select); coding-DNA position 1789, A replaced by T.
Protein change: p.Arg597Ter; replaces arginine 597 with a stop codon.
Molecular consequence: nonsense.
Genome position (GRCh38, 1-based): chr15:84,856,527, A>T. VCF-style: chr15-84856527-A-T. GRCh37 (hg19) VCF-style: chr15-85399758-A-T.
Other names: short protein forms R597*.
Identifiers: ClinVar variation 4055794 (VCV004055794.1).
Genomic context (GRCh38, chr15:84,856,527, plus strand): 5'-AGCACTTCCGGAAGTCAAGGTATCATTGAACCCATGGATATGGAAACCCAGGAGGATGGG[A>T]GAACATCTGCTAACCAGAGAACTGGAAGCAAGAAGAATGTGCAGGCAGATGGGAAGATAC-3'

ClinVar aggregate classification (germline): Likely pathogenic (1 of 4 stars; one submission).

Submission:

GeneDx
Classification: Likely pathogenic. Last evaluated: 2025-01-06. Review status: criteria provided, single submitter. Criteria: GeneDx Variant Classification Process June 2021. Collection method: clinical testing. Allele origin: germline. Affected: yes.
Comment: Nonsense variant predicted to result in protein truncation or nonsense mediated decay in a gene for which loss of function is a known mechanism of disease; Not observed at significant frequency in large population cohorts (gnomAD); This variant is associated with the following publications: (PMID: 34263907)